The following is an entry in ClinVar:

NM_020379.4(MAN1C1):c.838T>C (p.Phe280Leu)

Gene: MAN1C1 (mannosidase alpha class 1C member 1; plus strand). Cytogenetic location: 1p36.11.
Variant type: single nucleotide variant.
Coding change: c.838T>C on transcript NM_020379.4 (MANE Select); coding-DNA position 838, T replaced by C.
Protein change: p.Phe280Leu; replaces phenylalanine 280 with leucine.
Molecular consequence: missense variant. On other transcripts: intron variant (1).
Genome position (GRCh38, 1-based): chr1:25,753,487, T>C. VCF-style: chr1-25753487-T-C. GRCh37 (hg19) VCF-style: chr1-26079978-T-C.
Other names: c.838T>C, p.Phe280Leu (NM_001289010.2, NM_001385183.1); c.940T>C, p.Phe314Leu (NM_001385182.1); c.151T>C, p.Phe51Leu (NM_001385185.1); c.638-18170T>C (NM_001385184.1); c.838T>C (NM_020379.3); short protein forms F314L, F280L, F51L.
Identifiers: ClinVar variation 3122475 (VCV003122475.2), dbSNP rs377564466, ClinGen allele CA696052.
Genomic context (GRCh38, chr1:25,753,487, plus strand): 5'-GTTGACCTTCCCTCACCCAGCCTGGAGTCAAAAGCCCTTTGATCCCCTCCTTTACAGGTG[T>C]TCCGAATAAAGGCCATCAGGCTGGGAGAGAAGCTCCTGCCGGCGTTCAACACCCCCACGG-3'
Protein context (NP_065112.1, residues 270-290): SAFYLTGEEV[Phe280Leu]RIKAIRLGEK

ClinVar aggregate classification (germline): Uncertain significance. Review status: criteria provided, single submitter (1 of 4 stars). 2 submissions from 2 submitters: Uncertain significance (1). 1 of the submissions does not count toward it. Last evaluated 2023-11-17.

Conditions:
MAN1C1-related disorder. Also called: MAN1C1-related condition.

Allele frequency attached by ClinVar (database versions not stated): ESP Exome Variant Server 0.00008; ExAC 0.00011.
gnomAD v4.1: 46 of 1,612,860 alleles (0.0029%); highest among the groups gnomAD compares: Admixed American, 0.017%; no homozygotes.

Submissions (2):

Ambry Genetics
Classification: Uncertain significance. Last evaluated: 2023-11-17. Review status: criteria provided, single submitter. Criteria: Ambry Variant Classification Scheme 2023. Collection method: clinical testing. Allele origin: germline.

PreventionGenetics, part of Exact Sciences
Classification: Uncertain significance for MAN1C1-related condition. Last evaluated: 2024-08-01. Review status: no assertion criteria provided. Collection method: clinical testing. Allele origin: germline. Not counted in ClinVar's aggregate classification.
Comment: The MAN1C1 c.838T>C variant is predicted to result in the amino acid substitution p.Phe280Leu. To our knowledge, this variant has not been reported in the literature. This variant is reported in 0.017% of alleles in individuals of Latino descent in gnomAD. At this time, the clinical significance of this variant is uncertain due to the absence of conclusive functional and genetic evidence.